The following is an entry in ClinVar:

ClinVar aggregate classification (germline): Uncertain significance (1 of 4 stars; one submission).

Submission:

GeneDx
Classification: Uncertain significance. Last evaluated: 2023-12-16. Review status: criteria provided, single submitter. Criteria: GeneDx Variant Classification Process June 2021. Collection method: clinical testing. Allele origin: germline. Affected: yes.
Comment: Not observed at significant frequency in large population cohorts (gnomAD); In silico analysis supports that this missense variant does not alter protein structure/function; Has not been previously published as pathogenic or benign to our knowledge

NM_004973.4(JARID2):c.1318T>G (p.Ser440Ala)

Gene: JARID2 (jumonji and AT-rich interaction domain containing 2; plus strand). Cytogenetic location: 6p22.3.
Variant type: single nucleotide variant.
Coding change: c.1318T>G on transcript NM_004973.4 (MANE Select); coding-DNA position 1318, T replaced by G.
Protein change: p.Ser440Ala; replaces serine 440 with alanine.
Molecular consequence: missense variant.
Genome position (GRCh38, 1-based): chr6:15,496,543, T>G. VCF-style: chr6-15496543-T-G. GRCh37 (hg19) VCF-style: chr6-15496774-T-G.
Other names: c.802T>G, p.Ser268Ala (NM_001267040.1); short protein forms S268A, S440A.
Identifiers: ClinVar variation 3365669 (VCV003365669.1).
Genomic context (GRCh38, chr6:15,496,543, plus strand): 5'-AAGGAGGTGGGGGGGCGGCAGCTGCGGGAGGGCCTGCAGCTGCGGGAGGGGCTGCGGAAC[T>G]CCAAGAGGAGACTGGAAGAGGCACACCAGGCGGAGAAGCCGCAGTCGCCCCCCAAGAAGA-3'
Protein context (NP_004964.2, residues 430-450): GLQLREGLRN[Ser440Ala]KRRLEEAHQA